The following is an entry in ClinVar:

NM_000179.3(MSH6):c.4004_4006dup (p.Glu1335_Val1336insGlu)

Gene: MSH6 (mutS homolog 6; plus strand). Cytogenetic location: 2p16.3.
Variant type: Duplication.
Coding change: c.4004_4006dup on transcript NM_000179.3 (MANE Select); coding-DNA positions 4004 to 4006, 3 bases duplicated (AAG; older notation c.4004_4006dupAAG).
Protein change: p.Glu1335_Val1336insGlu.
Molecular consequence: inframe insertion. On other transcripts: 3 prime UTR variant (1), non-coding transcript variant (5), splice acceptor variant (3).
Genome position (GRCh38, 1-based): chr2:47,806,781-47,806,783, AAG duplicated; duplicating any 3 consecutive bases within chr2:47,806,780-47,806,783 gives the same sequence; the c. name uses the placement nearest the transcript's 3' end. VCF-style (leftmost placement, unchanged base first): chr2-47806779-G-GGAA. GRCh37 (hg19) VCF-style: chr2-48033918-G-GGAA.
Other names: c.3614_3616dup, p.Glu1205_Val1206insGlu (NM_001281492.2); c.3098_3100dup, p.Glu1033_Val1034insGlu (NM_001281493.2, NM_001281494.2, NM_001406811.1 and 6 more transcripts); c.4100_4102dup, p.Glu1367_Val1368insGlu (NM_001406795.1); c.4004_4006dup, p.Glu1335_Val1336insGlu (NM_001406796.1, NM_001406809.1); c.3707_3709dup, p.Glu1236_Val1237insGlu (NM_001406797.1, NM_001406805.1, NM_001406818.1 and 8 more transcripts); c.3830_3832dup, p.Glu1277_Val1278insGlu (NM_001406798.1); c.3479_3481dup, p.Glu1160_Val1161insGlu (NM_001406799.1, NM_001406806.1, NM_001406807.1); c.*25_*27dup (NM_001406800.1); and 11 more.
Identifiers: ClinVar variation 3075501 (VCV003075501.1), dbSNP rs2530890962, ClinGen allele CA2658970270.

ClinVar aggregate classification (germline): Uncertain significance (1 of 4 stars; one submission).

Conditions:
Lynch syndrome. Identifiers: Orphanet 144, MedGen C4552100, MONDO:0005835. Disease mechanism: loss of function.

Submission:

All of Us Research Program, National Institutes of Health
Classification: Uncertain significance for Lynch syndrome. Last evaluated: 2023-06-26. Review status: criteria provided, single submitter. Criteria: ACMG Guidelines, 2015. Collection method: clinical testing. Allele origin: germline. Inheritance: Autosomal dominant inheritance. Observed: 1 variant allele, 1 heterozygote.
Comment: This variant causes a duplication of a glutamate in the MSH6 gene. To our knowledge, functional studies have not been reported for this variant. This variant has not been reported in individuals affected with hereditary cancer in the literature. This variant has not been identified in the general population by the Genome Aggregation Database (gnomAD). The available evidence is insufficient to determine the role of this variant in disease conclusively. Therefore, this variant is classified as a Variant of Uncertain Significance.

This study involves interpretation of variants in research participants for the purpose of population health screening. Participant phenotype was not available at the time of variant classification. Additional details can be found in publication PMID: 35346344, PMCID: PMC8962531